The following is an entry in ClinVar:

ClinVar aggregate classification (germline): Uncertain significance (1 of 4 stars; one submission).

gnomAD v4.1: 2 of 1,614,192 alleles (0.00012%); highest among the groups gnomAD compares: Non-Finnish European, 0.00017%; no homozygotes.

Submission:

Labcorp Genetics (formerly Invitae), Labcorp
Classification: Uncertain significance. Last evaluated: 2025-01-13. Review status: criteria provided, single submitter. Criteria: Invitae Variant Classification Sherloc (09022015). Collection method: clinical testing. Allele origin: germline.
Comment: This sequence change replaces proline, which is neutral and non-polar, with arginine, which is basic and polar, at codon 218 of the NEUROD1 protein (p.Pro218Arg). This variant is not present in population databases (gnomAD no frequency). This variant has not been reported in the literature in individuals affected with NEUROD1-related conditions. ClinVar contains an entry for this variant (Variation ID: 2132032). Invitae Evidence Modeling of protein sequence and biophysical properties (such as structural, functional, and spatial information, amino acid conservation, physicochemical variation, residue mobility, and thermodynamic stability) indicates that this missense variant is not expected to disrupt NEUROD1 protein function with a negative predictive value of 80%. In summary, the available evidence is currently insufficient to determine the role of this variant in disease. Therefore, it has been classified as a Variant of Uncertain Significance.

NM_002500.5(NEUROD1):c.653C>G (p.Pro218Arg)

Gene: NEUROD1 (neuronal differentiation 1; minus strand). Cytogenetic location: 2q31.3.
Variant type: single nucleotide variant.
Coding change: c.653C>G on transcript NM_002500.5 (MANE Select); coding-DNA position 653, C replaced by G.
Protein change: p.Pro218Arg; replaces proline 218 with arginine.
Molecular consequence: missense variant.
Genome position (GRCh38, 1-based): chr2:181,678,208, G>C on the plus strand (C>G on the coding strand, the complement: NEUROD1 is on the minus strand). VCF-style: chr2-181678208-G-C. GRCh37 (hg19) VCF-style: chr2-182542935-G-C.
Other names: short protein forms P218R.
Identifiers: ClinVar variation 2132032 (VCV002132032.4), dbSNP rs758932918, ClinGen allele CA349783535.